The following is an entry in ClinVar:

NM_004208.4(AIFM1):c.1579G>A (p.Gly527Ser)

Genes: AIFM1 (apoptosis inducing factor mitochondria associated 1; minus strand), RAB33A (RAB33A, member RAS oncogene family; plus strand). Cytogenetic location: Xq26.1.
Variant type: single nucleotide variant.
Coding change: c.1579G>A on transcript NM_004208.4 (MANE Select); coding-DNA position 1579, G replaced by A.
Protein change: p.Gly527Ser; replaces glycine 527 with serine.
Molecular consequence: missense variant. On other transcripts: 3 prime UTR variant (1), non-coding transcript variant (1).
Genome position (GRCh38, 1-based): chrX:130,130,161, C>T on the plus strand (G>A on the coding strand, the complement: AIFM1 is on the minus strand). VCF-style: chrX-130130161-C-T. GRCh37 (hg19) VCF-style: chrX-129264136-C-T.
Other names: c.562G>A, p.Gly188Ser (NM_001130846.4); c.*807G>A (NM_001130847.4); c.1567G>A, p.Gly523Ser (NM_145812.3); short protein forms G527S, G523S, G188S.
Identifiers: ClinVar variation 1039965 (VCV001039965.10), dbSNP rs2030006759, ClinGen allele CA414569875.

ClinVar aggregate classification (germline): Uncertain significance (1 of 4 stars; one submission).

Conditions:
Combined oxidative phosphorylation deficiency. Identifiers: MedGen C4540031, MONDO:0000732.
Charcot-Marie-Tooth Neuropathy X. Identifiers: MedGen CN118851.

Submission:

Labcorp Genetics (formerly Invitae), Labcorp
Classification: Uncertain significance for Charcot-Marie-Tooth Neuropathy X; Combined oxidative phosphorylation deficiency. Last evaluated: 2020-01-27. Review status: criteria provided, single submitter. Criteria: Invitae Variant Classification Sherloc (09022015). Collection method: clinical testing. Allele origin: germline.
Comment: In summary, the available evidence is currently insufficient to determine the role of this variant in disease. Therefore, it has been classified as a Variant of Uncertain Significance. Algorithms developed to predict the effect of missense changes on protein structure and function (SIFT, PolyPhen-2, Align-GVGD) all suggest that this variant is likely to be tolerated, but these predictions have not been confirmed by published functional studies and their clinical significance is uncertain. This variant has not been reported in the literature in individuals with AIFM1-related conditions. This variant is not present in population databases (ExAC no frequency). This sequence change replaces glycine with serine at codon 527 of the AIFM1 protein (p.Gly527Ser). The glycine residue is moderately conserved and there is a small physicochemical difference between glycine and serine.